The following is an entry in ClinVar:

ClinVar aggregate classification (germline): Uncertain significance. Review status: criteria provided, multiple submitters, no conflicts (2 of 4 stars). 2 submissions from 2 submitters: Uncertain significance (2). Last evaluated 2025-10-01.

Conditions:
Inborn genetic diseases. Identifiers: MedGen C0950123, MeSH D030342.

Allele frequency attached by ClinVar (database versions not stated): ExAC 0.00006; TOPMed 0.00005; 1000 Genomes Project 30x 0.00031; gnomAD 0.00004.
gnomAD v4.1: 24 of 1,611,950 alleles (0.0015%); highest among the groups gnomAD compares: Admixed American, 0.01%; no homozygotes.

Submissions (2):

Ambry Genetics
Classification: Uncertain significance for Inborn genetic diseases. Last evaluated: 2025-10-01. Review status: criteria provided, single submitter. Criteria: Ambry Variant Classification Scheme 2023. Collection method: clinical testing. Allele origin: germline.

Labcorp Genetics (formerly Invitae), Labcorp
Classification: Uncertain significance. Last evaluated: 2022-08-12. Review status: criteria provided, single submitter. Criteria: Invitae Variant Classification Sherloc (09022015). Collection method: clinical testing. Allele origin: germline.
Comment: This variant has not been reported in the literature in individuals affected with KATNB1-related conditions. In summary, the available evidence is currently insufficient to determine the role of this variant in disease. Therefore, it has been classified as a Variant of Uncertain Significance. Advanced modeling of protein sequence and biophysical properties (such as structural, functional, and spatial information, amino acid conservation, physicochemical variation, residue mobility, and thermodynamic stability) performed at Invitae indicates that this missense variant is not expected to disrupt KATNB1 protein function. This variant is present in population databases (rs781845628, gnomAD 0.01%). This sequence change replaces valine, which is neutral and non-polar, with isoleucine, which is neutral and non-polar, at codon 559 of the KATNB1 protein (p.Val559Ile).

NM_005886.3(KATNB1):c.1675G>A (p.Val559Ile)

Gene: KATNB1 (katanin regulatory subunit B1; plus strand). Cytogenetic location: 16q21.
Variant type: single nucleotide variant.
Coding change: c.1675G>A on transcript NM_005886.3 (MANE Select); coding-DNA position 1675, G replaced by A.
Protein change: p.Val559Ile; replaces valine 559 with isoleucine.
Molecular consequence: missense variant.
Genome position (GRCh38, 1-based): chr16:57,756,023, G>A. VCF-style: chr16-57756023-G-A. GRCh37 (hg19) VCF-style: chr16-57789935-G-A.
Other names: c.1675G>A (NM_005886.2); short protein forms V559I.
Identifiers: ClinVar variation 2059231 (VCV002059231.6), dbSNP rs781845628, ClinGen allele CA8081334.